The following is an entry in ClinVar:

NM_003901.4(SGPL1):c.850G>A (p.Val284Ile)

Gene: SGPL1 (sphingosine-1-phosphate lyase 1; plus strand). Cytogenetic location: 10q22.1.
Variant type: single nucleotide variant.
Coding change: c.850G>A on transcript NM_003901.4 (MANE Select); coding-DNA position 850, G replaced by A.
Protein change: p.Val284Ile; replaces valine 284 with isoleucine.
Molecular consequence: missense variant.
Genome position (GRCh38, 1-based): chr10:70,871,087, G>A. VCF-style: chr10-70871087-G-A. GRCh37 (hg19) VCF-style: chr10-72630844-G-A.
Other names: c.850G>A (NM_003901.3); short protein forms V284I.
Identifiers: ClinVar variation 1903971 (VCV001903971.3), dbSNP rs754786460, ClinGen allele CA5541320.

ClinVar aggregate classification (germline): Uncertain significance. Review status: criteria provided, multiple submitters, no conflicts (2 of 4 stars). 2 submissions from 2 submitters: Uncertain significance (2). Last evaluated 2025-08-15.

Conditions:
Inborn genetic diseases. Identifiers: MedGen C0950123, MeSH D030342.

Allele frequency attached by ClinVar (database versions not stated): ExAC 0.00002; gnomAD exomes 0.00002; TOPMed 0.00002.
gnomAD v4.1: 32 of 1,613,818 alleles (0.002%); highest among the groups gnomAD compares: East Asian, 0.0045%; no homozygotes.

Submissions (2):

Ambry Genetics
Classification: Uncertain significance for Inborn genetic diseases. Last evaluated: 2025-08-15. Review status: criteria provided, single submitter. Criteria: Ambry Variant Classification Scheme 2023. Collection method: clinical testing. Allele origin: germline.

Labcorp Genetics (formerly Invitae), Labcorp
Classification: Uncertain significance. Last evaluated: 2022-04-07. Review status: criteria provided, single submitter. Criteria: Invitae Variant Classification Sherloc (09022015). Collection method: clinical testing. Allele origin: germline.
Comment: This sequence change replaces valine, which is neutral and non-polar, with isoleucine, which is neutral and non-polar, at codon 284 of the SGPL1 protein (p.Val284Ile). This variant is present in population databases (rs754786460, gnomAD 0.006%). This variant has not been reported in the literature in individuals affected with SGPL1-related conditions. Algorithms developed to predict the effect of missense changes on protein structure and function (SIFT, PolyPhen-2, Align-GVGD) all suggest that this variant is likely to be disruptive. In summary, the available evidence is currently insufficient to determine the role of this variant in disease. Therefore, it has been classified as a Variant of Uncertain Significance.